The following is an entry in ClinVar:

ClinVar aggregate classification (germline): Uncertain significance (1 of 4 stars; one submission).

Allele frequency attached by ClinVar (database versions not stated): gnomAD exomes below 0.00001; gnomAD 0.00001; ExAC 0.00002.
gnomAD v4.1: 2 of 1,613,566 alleles (0.00012%); highest among the groups gnomAD compares: Non-Finnish European, 0.00017%; no homozygotes.

Submission:

Labcorp Genetics (formerly Invitae), Labcorp
Classification: Uncertain significance. Last evaluated: 2022-10-04. Review status: criteria provided, single submitter. Criteria: Invitae Variant Classification Sherloc (09022015). Collection method: clinical testing. Allele origin: germline.
Comment: Algorithms developed to predict the effect of missense changes on protein structure and function (SIFT, PolyPhen-2, Align-GVGD) all suggest that this variant is likely to be disruptive. This sequence change replaces isoleucine, which is neutral and non-polar, with threonine, which is neutral and polar, at codon 479 of the CACNA2D4 protein (p.Ile479Thr). This variant is present in population databases (rs756823706, gnomAD 0.002%). This variant has not been reported in the literature in individuals affected with CACNA2D4-related conditions. In summary, the available evidence is currently insufficient to determine the role of this variant in disease. Therefore, it has been classified as a Variant of Uncertain Significance.

NM_172364.5(CACNA2D4):c.1436T>C (p.Ile479Thr)

Gene: CACNA2D4 (calcium voltage-gated channel auxiliary subunit alpha2delta 4; minus strand). Cytogenetic location: 12p13.33.
Variant type: single nucleotide variant.
Coding change: c.1436T>C on transcript NM_172364.5 (MANE Select); coding-DNA position 1436, T replaced by C.
Protein change: p.Ile479Thr; replaces isoleucine 479 with threonine.
Molecular consequence: missense variant.
Genome position (GRCh38, 1-based): chr12:1,882,916, A>G on the plus strand (T>C on the coding strand, the complement: CACNA2D4 is on the minus strand). VCF-style: chr12-1882916-A-G. GRCh37 (hg19) VCF-style: chr12-1992082-A-G.
Other names: short protein forms I479T.
Identifiers: ClinVar variation 2135731 (VCV002135731.4), dbSNP rs756823706, ClinGen allele CA6387135.
Genomic context (GRCh38, chr12:1,882,916, plus strand): 5'-GCCAGGCTCACCTTGCTGTCCATGTAGGCCTCTGTCCAGATGATGTCGTGGTCGTGGTTG[A>G]TGACCATGGGGCGGCTGAGCACGTGCAGGTATTCCATCACGTTCTCCTGGGTGTCCGCCA-3'
Protein context (NP_758952.4, residues 469-489): YLHVLSRPMV[Ile479Thr]NHDHDIIWTE